The following is an entry in ClinVar:

ClinVar aggregate classification (germline): Pathogenic (1 of 4 stars; one submission).

Conditions:
Alstrom syndrome (ALMS). Identifiers: Orphanet 64, MedGen C0268425, MONDO:0008763, OMIM 203800.

Submission:

Labcorp Genetics (formerly Invitae), Labcorp
Classification: Pathogenic for Alstrom syndrome. Last evaluated: 2024-06-17. Review status: criteria provided, single submitter. Criteria: Invitae Variant Classification Sherloc (09022015). Collection method: clinical testing. Allele origin: germline.
Comment: This sequence change creates a premature translational stop signal (p.Gln167*) in the ALMS1 gene. It is expected to result in an absent or disrupted protein product. Loss-of-function variants in ALMS1 are known to be pathogenic (PMID: 17594715). This variant is not present in population databases (gnomAD no frequency). This variant has not been reported in the literature in individuals affected with ALMS1-related conditions. For these reasons, this variant has been classified as Pathogenic.

Literature cited by the submitters: PubMed 17594715.

NM_001378454.1(ALMS1):c.496C>T (p.Gln166Ter)

Gene: ALMS1 (ALMS1 centrosome and basal body associated protein; plus strand). Cytogenetic location: 2p13.1.
Variant type: single nucleotide variant.
Coding change: c.496C>T on transcript NM_001378454.1 (MANE Select); coding-DNA position 496, C replaced by T.
Protein change: p.Gln166Ter; replaces glutamine 166 with a stop codon.
Molecular consequence: nonsense.
Genome position (GRCh38, 1-based): chr2:73,419,168, C>T. VCF-style: chr2-73419168-C-T. GRCh37 (hg19) VCF-style: chr2-73646296-C-T.
Other names: c.499C>T, p.Gln167Ter (NM_015120.4); short protein forms Q166*, Q167*.
Identifiers: ClinVar variation 2756092 (VCV002756092.3), dbSNP rs2103701341, ClinGen allele CA347258934.